The following is an entry in ClinVar:

ClinVar aggregate classification (germline): Uncertain significance (1 of 4 stars; one submission).

Conditions:
Hereditary cancer-predisposing syndrome. Also called: Tumor predisposition; Hereditary neoplastic syndrome; Neoplastic Syndromes, Hereditary; Hereditary Cancer Syndrome. Identifiers: Orphanet 140162, MedGen C0027672, MeSH D009386, MONDO:0015356.

Submission:

Ambry Genetics
Classification: Uncertain significance for Hereditary cancer-predisposing syndrome. Last evaluated: 2025-06-09. Review status: criteria provided, single submitter. Criteria: Ambry Variant Classification Scheme 2023. Collection method: clinical testing. Allele origin: germline.
Comment: The p.Q1129H variant (also known as c.3387G>C), located in coding exon 10 of the BRCA2 gene, results from a G to C substitution at nucleotide position 3387. The glutamine at codon 1129 is replaced by histidine, an amino acid with highly similar properties. This amino acid position is highly conserved in available vertebrate species. In addition, the in silico prediction for this alteration is inconclusive. Based on the available evidence, the clinical significance of this variant remains unclear.

NM_000059.4(BRCA2):c.3387G>C (p.Gln1129His)

Gene: BRCA2 (BRCA2 DNA repair associated; plus strand). Cytogenetic location: 13q13.1.
Variant type: single nucleotide variant.
Coding change: c.3387G>C on transcript NM_000059.4 (MANE Select); coding-DNA position 3387, G replaced by C.
Protein change: p.Gln1129His; replaces glutamine 1129 with histidine.
Molecular consequence: missense variant. On other transcripts: non-coding transcript variant (1), intron variant (2).
Genome position (GRCh38, 1-based): chr13:32,337,742, G>C. VCF-style: chr13-32337742-G-C. GRCh37 (hg19) VCF-style: chr13-32911879-G-C.
Other names: c.3387G>C, p.Gln1129His (NM_001406719.1, NM_001406720.1, NM_001432077.1); c.1909+4355G>C (NM_001406721.1); c.424+6712G>C (NM_001406722.1); short protein forms Q1129H.
Identifiers: ClinVar variation 3992859 (VCV003992859.1).
Genomic context (GRCh38, chr13:32,337,742, plus strand): 5'-AGAAATTACAGAACTTTCTACTATATTAGAAGAATCAGGAAGTCAGTTTGAATTTACTCA[G>C]TTTAGAAAACCAAGCTACATATTGCAGAAGAGTACATTTGAAGTGCCTGAAAACCAGATG-3'
Protein context (NP_000050.3, residues 1119-1139): EESGSQFEFT[Gln1129His]FRKPSYILQK